The following is an entry in ClinVar:

NM_016562.4(TLR7):c.575C>T (p.Ser192Leu)

Gene: TLR7 (toll like receptor 7; plus strand). Cytogenetic location: Xp22.2.
Variant type: single nucleotide variant.
Coding change: c.575C>T on transcript NM_016562.4 (MANE Select); coding-DNA position 575, C replaced by T.
Protein change: p.Ser192Leu; replaces serine 192 with leucine.
Molecular consequence: missense variant.
Genome position (GRCh38, 1-based): chrX:12,886,083, C>T. VCF-style: chrX-12886083-C-T. GRCh37 (hg19) VCF-style: chrX-12904202-C-T.
Other names: short protein forms S192L.
Identifiers: ClinVar variation 2071266 (VCV002071266.5), dbSNP rs144771387, ClinGen allele CA10349940.

ClinVar aggregate classification (germline): Uncertain significance. Review status: criteria provided, multiple submitters, no conflicts (2 of 4 stars). 2 submissions from 2 submitters: Uncertain significance (2). Last evaluated 2024-12-09.

Allele frequency attached by ClinVar (database versions not stated): gnomAD exomes below 0.00001; ExAC 0.00003; gnomAD 0.00006; ESP Exome Variant Server 0.00019; TOPMed 0.00008.

Submissions (2):

Labcorp Genetics (formerly Invitae), Labcorp
Classification: Uncertain significance. Last evaluated: 2024-12-09. Review status: criteria provided, single submitter. Criteria: Invitae Variant Classification Sherloc (09022015). Collection method: clinical testing. Allele origin: germline.
Comment: This sequence change replaces serine, which is neutral and polar, with leucine, which is neutral and non-polar, at codon 192 of the TLR7 protein (p.Ser192Leu). This variant is present in population databases (rs144771387, gnomAD 0.02%). This variant has not been reported in the literature in individuals affected with TLR7-related conditions. ClinVar contains an entry for this variant (Variation ID: 2071266). An algorithm developed to predict the effect of missense changes on protein structure and function (PolyPhen-2) suggests that this variant is likely to be disruptive. In summary, the available evidence is currently insufficient to determine the role of this variant in disease. Therefore, it has been classified as a Variant of Uncertain Significance.

Ambry Genetics
Classification: Uncertain significance. Last evaluated: 2021-07-06. Review status: criteria provided, single submitter. Criteria: Ambry Variant Classification Scheme 2023. Collection method: clinical testing. Allele origin: germline.